The following is an entry in ClinVar:

NM_000130.5(F5):c.6554A>G (p.Lys2185Arg)

Gene: F5 (coagulation factor V; minus strand). Cytogenetic location: 1q24.2.
Variant type: single nucleotide variant.
Coding change: c.6554A>G on transcript NM_000130.5 (MANE Select); coding-DNA position 6554, A replaced by G.
Protein change: p.Lys2185Arg; replaces lysine 2185 with arginine.
Molecular consequence: missense variant.
Genome position (GRCh38, 1-based): chr1:169,514,434, T>C on the plus strand (A>G on the coding strand, the complement: F5 is on the minus strand). VCF-style: chr1-169514434-T-C. GRCh37 (hg19) VCF-style: chr1-169483672-T-C.
Other names: p.Lys2185Arg; short protein forms K2185R.
Identifiers: ClinVar variation 716051 (VCV000716051.35), dbSNP rs6679078, ClinGen allele CA1233208.

ClinVar aggregate classification (germline): Benign/Likely benign. Review status: criteria provided, multiple submitters, no conflicts (2 of 4 stars). 7 submissions from 7 submitters: Benign (1); Likely benign (5). 1 of the submissions does not count toward it. Last evaluated 2026-06-01.

Conditions:
F5-related disorder. Also called: F5-related condition.
Factor V deficiency. Also called: Reduced coagulation factor V activity. Identifiers: Orphanet 326, MedGen C4317320, MONDO:0020586, HP:0003225.
Ischemic stroke. Also called: CEREBROVASCULAR ACCIDENT; Ischemic stroke, susceptibility to. Identifiers: MedGen C0948008, MONDO:1060198, OMIM 601367, HP:0002140.
Pregnancy loss, recurrent, susceptibility to, 1 (RPRGL1). Also called: EMBRYONIC LOSS, RECURRENT; MISCARRIAGE, RECURRENT; STILLBIRTH, RECURRENT; FETAL LOSS, RECURRENT, SUSCEPTIBILITY TO. Identifiers: MedGen C3280670, MONDO:0013727, OMIM 614389.
Budd-Chiari syndrome (BDCHS). Also called: Hepatic vein obstruction. Identifiers: Orphanet 131, MedGen C0856761, MONDO:0010947, OMIM 600880, HP:0002639.
Thrombophilia due to activated protein C resistance (THPH2). Also called: PCCF DEFICIENCY; PROC COFACTOR DEFICIENCY; Hereditary Resistance to Activated Protein C; APC resistance; Activated protein C resistance; THROMBOPHILIA DUE TO DEFICIENCY OF ACTIVATED PROTEIN C COFACTOR. Identifiers: MedGen C1861171, MONDO:0008560, OMIM 188055. Disease mechanism: loss of function, gain of function.
Congenital factor V deficiency. Also called: LABILE FACTOR DEFICIENCY; OWREN PARAHEMOPHILIA; PARAHEMOPHILIA; Hereditary factor V deficiency disease. Identifiers: Orphanet 326, MedGen C0015499, MONDO:0009210, OMIM 227400.

Allele frequency attached by ClinVar (database versions not stated): gnomAD exomes 0.00027 and 0.00056; ExAC 0.00075; gnomAD 0.00257 and 0.00271; 1000 Genomes Project 30x 0.00265; 1000 Genomes Project 0.00280; TOPMed 0.00305; ESP Exome Variant Server 0.00315.
gnomAD v4.1: 814 of 1,613,064 alleles (0.05%); highest among the groups gnomAD compares: African/African-American, 0.9%; 3 homozygotes.

Submissions (7):

CeGaT Center for Human Genetics Tuebingen
Classification: Benign. Last evaluated: 2026-06-01. Review status: criteria provided, single submitter. Criteria: CeGaT Center For Human Genetics Tuebingen Variant Classification Criteria Version 2. Collection method: clinical testing. Allele origin: germline. Affected: yes. Observed: 2 variant alleles.
Comment: F5: BS1, BS2

Labcorp Genetics (formerly Invitae), Labcorp
Classification: Likely benign for Congenital factor V deficiency. Last evaluated: 2026-01-28. Review status: criteria provided, single submitter. Criteria: Invitae Variant Classification Sherloc (09022015). Collection method: clinical testing. Allele origin: germline.

Mayo Clinic Laboratories, Mayo Clinic
Classification: Likely benign. Last evaluated: 2024-12-04. Review status: criteria provided, single submitter. Criteria: ACMG Guidelines, 2015. Collection method: clinical testing. Allele origin: germline. Observed: 1 variant allele.
Comment: BS1, BS2_supporting, PM1_supporting

Blueprint Genetics
Classification: Likely benign. Last evaluated: 2024-11-25. Review status: criteria provided, single submitter. Criteria: ACMG Guidelines, 2015. Collection method: clinical testing. Allele origin: germline.

Fulgent Genetics
Classification: Likely benign for Thrombophilia due to activated protein C resistance; Congenital factor V deficiency; Budd-Chiari syndrome; Ischemic stroke; Pregnancy loss, recurrent, susceptibility to, 1. Last evaluated: 2021-08-04. Review status: criteria provided, single submitter. Criteria: ACMG Guidelines, 2015. Collection method: clinical testing. Allele origin: unknown.

Breakthrough Genomics
Classification: Likely benign. Review status: criteria provided, single submitter. Criteria: ACMG Guidelines, 2015. Collection method: not provided. Allele origin: germline. Inheritance: Autosomal recessive inheritance. Affected: yes.

PreventionGenetics, part of Exact Sciences
Classification: Likely benign for F5-related condition. Last evaluated: 2019-02-22. Review status: no assertion criteria provided. Collection method: clinical testing. Allele origin: germline. Not counted in ClinVar's aggregate classification.
Comment: This variant is classified as likely benign based on ACMG/AMP sequence variant interpretation guidelines (Richards et al. 2015 PMID: 25741868, with internal and published modifications).